The following is an entry in ClinVar:

NM_001271862.2(PNLDC1):c.468G>A (p.Pro156=)

Gene: PNLDC1 (PARN like ribonuclease domain containing exonuclease 1; plus strand). Cytogenetic location: 6q25.3.
Variant type: single nucleotide variant.
Coding change: c.468G>A on transcript NM_001271862.2 (MANE Select); coding-DNA position 468, G replaced by A.
Protein change: p.Pro156=; no amino-acid change (proline 156 retained).
Molecular consequence: synonymous variant.
Genome position (GRCh38, 1-based): chr6:159,805,989, G>A. VCF-style: chr6-159805989-G-A. GRCh37 (hg19) VCF-style: chr6-160227021-G-A.
Other names: c.435G>A, p.Pro145= (NM_173516.3).
Identifiers: ClinVar variation 4987042 (VCV004987042.1).

ClinVar aggregate classification (germline): Likely benign (1 of 4 stars; one submission).

Conditions:
PNLDC1-related condition.

gnomAD v4.1: 190 of 1,613,778 alleles (0.012%); highest among the groups gnomAD compares: Non-Finnish European, 0.016%; no homozygotes.

Submission:

PreventionGenetics, part of Exact Sciences
Classification: Likely benign for PNLDC1-related condition. Last evaluated: 2026-04-02. Review status: criteria provided, single submitter. Criteria: ACMG Guidelines, 2015. Collection method: clinical testing. Allele origin: germline.
Comment: This variant is classified as likely benign based on ACMG/AMP sequence variant interpretation guidelines (Richards et al. 2015 PMID: 25741868, with internal and published modifications).